The following is an entry in ClinVar:

NM_001605.3(AARS1):c.935G>A (p.Gly312Asp)

Gene: AARS1 (alanyl-tRNA synthetase 1; minus strand). Cytogenetic location: 16q22.1.
Variant type: single nucleotide variant.
Coding change: c.935G>A on transcript NM_001605.3 (MANE Select); coding-DNA position 935, G replaced by A.
Protein change: p.Gly312Asp; replaces glycine 312 with aspartic acid.
Molecular consequence: missense variant.
Genome position (GRCh38, 1-based): chr16:70,269,645, C>T on the plus strand (G>A on the coding strand, the complement: AARS1 is on the minus strand). VCF-style: chr16-70269645-C-T. GRCh37 (hg19) VCF-style: chr16-70303548-C-T.
Other names: short protein forms G312D.
Identifiers: ClinVar variation 574093 (VCV000574093.8), dbSNP rs777824151, ClinGen allele CA8141002.

ClinVar aggregate classification (germline): Uncertain significance (1 of 4 stars; one submission).

Conditions:
Charcot-Marie-Tooth disease type 2. Also called: Charcot-Marie-Tooth type 2. Identifiers: Orphanet 64746, MedGen C0270914, MONDO:0018993.

Allele frequency attached by ClinVar (database versions not stated): ExAC 0.00001; gnomAD 0.00001; gnomAD exomes 0.00001 and 0.00002; TOPMed 0.00002.
gnomAD v4.1: 9 of 1,614,064 alleles (0.00056%); highest among the groups gnomAD compares: Admixed American, 0.012%; no homozygotes.

Submission:

Labcorp Genetics (formerly Invitae), Labcorp
Classification: Uncertain significance for Charcot-Marie-Tooth disease type 2. Last evaluated: 2024-11-08. Review status: criteria provided, single submitter. Criteria: Invitae Variant Classification Sherloc (09022015). Collection method: clinical testing. Allele origin: germline.
Comment: This sequence change replaces glycine, which is neutral and non-polar, with aspartic acid, which is acidic and polar, at codon 312 of the AARS protein (p.Gly312Asp). This variant is present in population databases (rs777824151, gnomAD 0.02%). This variant has not been reported in the literature in individuals affected with AARS-related conditions. ClinVar contains an entry for this variant (Variation ID: 574093). Invitae Evidence Modeling of protein sequence and biophysical properties (such as structural, functional, and spatial information, amino acid conservation, physicochemical variation, residue mobility, and thermodynamic stability) has been performed for this missense variant. However, the output from this modeling did not meet the statistical confidence thresholds required to predict the impact of this variant on AARS protein function. In summary, the available evidence is currently insufficient to determine the role of this variant in disease. Therefore, it has been classified as a Variant of Uncertain Significance.